The following is an entry in ClinVar:

NM_022773.4(LMF1):c.1052G>A (p.Arg351Gln)

Gene: LMF1 (lipase maturation factor 1; minus strand). Cytogenetic location: 16p13.3.
Variant type: single nucleotide variant.
Coding change: c.1052G>A on transcript NM_022773.4 (MANE Select); coding-DNA position 1052, G replaced by A.
Protein change: p.Arg351Gln; replaces arginine 351 with glutamine.
Molecular consequence: missense variant. On other transcripts: non-coding transcript variant (1).
Genome position (GRCh38, 1-based): chr16:871,187, C>T on the plus strand (G>A on the coding strand, the complement: LMF1 is on the minus strand). VCF-style: chr16-871187-C-T. GRCh37 (hg19) VCF-style: chr16-921187-C-T.
Other names: c.401G>A, p.Arg134Gln (NM_001352017.2, NM_001352021.2); c.653G>A, p.Arg218Gln (NM_001352018.2); c.725G>A, p.Arg242Gln (NM_001352019.2); c.1052G>A, p.Arg351Gln (NM_001352020.1); short protein forms R351Q, R218Q, R134Q, R242Q.
Identifiers: ClinVar variation 403041 (VCV000403041.23), dbSNP rs192520307, ClinGen allele CA7797233.

ClinVar aggregate classification (germline): Benign. Review status: criteria provided, multiple submitters, no conflicts (2 of 4 stars). 9 submissions from 9 submitters: Benign (7). 2 of the submissions do not count toward it. Last evaluated 2026-01-26.

Conditions:
Cardiovascular phenotype. Identifiers: MedGen CN230736.

Allele frequency attached by ClinVar (database versions not stated): gnomAD exomes 0.00145 and 0.00224; ExAC 0.00335; ESP Exome Variant Server 0.00381; gnomAD 0.00443 and 0.00458; 1000 Genomes Project 0.00539; TOPMed 0.00546; 1000 Genomes Project 30x 0.00547.
gnomAD v4.1: 2,826 of 1,606,970 alleles (0.18%); highest among the groups gnomAD compares: African/African-American, 1.2%; 16 homozygotes.

Submissions (9):

Labcorp Genetics (formerly Invitae), Labcorp
Classification: Benign. Last evaluated: 2026-01-26. Review status: criteria provided, single submitter. Criteria: Invitae Variant Classification Sherloc (09022015). Collection method: clinical testing. Allele origin: germline.

Molecular Diagnostic Laboratory for Inherited Cardiovascular Disease, Montreal Heart Institute
Classification: Benign. Last evaluated: 2025-04-09. Review status: criteria provided, single submitter. Criteria: ACMG Guidelines, 2015. Collection method: clinical testing. Allele origin: germline. Affected: no.

Mayo Clinic Laboratories, Mayo Clinic
Classification: Benign. Last evaluated: 2023-03-01. Review status: criteria provided, single submitter. Criteria: ACMG Guidelines, 2015. Collection method: clinical testing. Allele origin: germline. Observed: 2 variant alleles.
Comment: BS1, BP4

GeneDx
Classification: Benign. Last evaluated: 2020-01-10. Review status: criteria provided, single submitter. Criteria: GeneDx Variant Classification Process June 2021. Collection method: clinical testing. Allele origin: germline. Affected: yes.
Comment: This variant is associated with the following publications: (PMID: 31619059)

Ambry Genetics
Classification: Benign for Cardiovascular phenotype. Last evaluated: 2019-08-12. Review status: criteria provided, single submitter. Criteria: Ambry Variant Classification Scheme 2023. Collection method: clinical testing. Allele origin: germline.

Laboratory for Molecular Medicine, Mass General Brigham Personalized Medicine
Classification: Benign. Last evaluated: 2016-03-29. Review status: criteria provided, single submitter. Criteria: LMM Criteria. Collection method: clinical testing. Allele origin: germline.
Comment: Variant identified in a genome or exome case(s) and assessed due to predicted null impact of the variant or pathogenic assertions in the literature or databases. Disclaimer: This variant has not undergone full assessment. The following are preliminary notes: Frequency

Breakthrough Genomics
Classification: Benign. Review status: criteria provided, single submitter. Criteria: ACMG Guidelines, 2015. Collection method: not provided. Allele origin: germline. Inheritance: Autosomal recessive inheritance. Affected: yes.

Clinical Genetics DNA and cytogenetics Diagnostics Lab, Erasmus MC, Erasmus Medical Center
Classification: Benign. Review status: no assertion criteria provided. Collection method: clinical testing. Allele origin: germline. Affected: yes. Study: VKGL Data-share Consensus. Not counted in ClinVar's aggregate classification.

Clinical Genetics, Academic Medical Center
Classification: Likely benign. Review status: no assertion criteria provided. Collection method: clinical testing. Allele origin: germline. Affected: yes. Study: VKGL Data-share Consensus. Not counted in ClinVar's aggregate classification.

Literature cited by the submitters: PubMed 31619059 (cited by Mayo Clinic Laboratories, Mayo Clinic).